The following is an entry in ClinVar:

NM_001367624.2(ZNF469):c.8914G>C (p.Glu2972Gln)

Gene: ZNF469 (zinc finger protein 469; plus strand). Cytogenetic location: 16q24.2.
Variant type: single nucleotide variant.
Coding change: c.8914G>C on transcript NM_001367624.2 (MANE Select); coding-DNA position 8914, G replaced by C.
Protein change: p.Glu2972Gln; replaces glutamic acid 2972 with glutamine.
Molecular consequence: missense variant.
Genome position (GRCh38, 1-based): chr16:88,436,384, G>C. VCF-style: chr16-88436384-G-C. GRCh37 (hg19) VCF-style: chr16-88502792-G-C.
Other names: NM_001127464.1:c.8830G>C; short protein forms E2972Q.
Identifiers: ClinVar variation 5032215 (VCV005032215.1).

ClinVar aggregate classification (germline): Uncertain significance (1 of 4 stars; one submission).

Conditions:
Cardiovascular phenotype. Identifiers: MedGen CN230736.

Submission:

Ambry Genetics
Classification: Uncertain significance for Cardiovascular phenotype. Last evaluated: 2026-07-09. Review status: criteria provided, single submitter. Criteria: Ambry Variant Classification Scheme 2023. Collection method: clinical testing. Allele origin: germline.
Comment: The p.E2944Q variant (also known as c.8830G>C), located in coding exon 2 of the ZNF469 gene, results from a G to C substitution at nucleotide position 8830. The glutamic acid at codon 2944 is replaced by glutamine, an amino acid with highly similar properties. This amino acid position is conserved. In addition, this alteration is predicted to be tolerated by in silico analysis. Based on the available evidence, the clinical significance of this variant remains unclear.